The following is an entry in ClinVar:

ClinVar aggregate classification (germline): Likely benign. Review status: criteria provided, multiple submitters, no conflicts (2 of 4 stars). 4 submissions from 3 submitters: Likely benign (4). Last evaluated 2026-08-20.

Conditions:
Rhabdoid tumor predisposition syndrome 1 (RTPS1). Also called: Familial Posterior Fossa Brain Tumor of Infancy. Identifiers: Orphanet 231108, Orphanet 69077, MedGen C1836327, MONDO:0012252, OMIM 609322.
SMARCB1-related schwannomatosis. Also called: SWNTS1; Schwannomatosis 1. Identifiers: Orphanet 93921, MedGen C4048809, MONDO:0024517, OMIM 162091. Disease mechanism: loss of function.
SMARCB1-related disorder. Also called: SMARCB1-related disorders; SMARCB1-related condition.

Allele frequency attached by ClinVar (database versions not stated): gnomAD exomes 0.00008; ExAC 0.00012; ESP Exome Variant Server 0.00015; gnomAD 0.00027 and 0.00028; TOPMed 0.00032; 1000 Genomes Project 0.00060; 1000 Genomes Project 30x 0.00062.

Submissions (4):

PreventionGenetics, part of Exact Sciences
Classification: Likely benign for SMARCB1-related condition. Last evaluated: 2026-08-20. Review status: criteria provided, single submitter. Criteria: ACMG Guidelines, 2015. Collection method: clinical testing. Allele origin: germline.
Comment: This variant is classified as likely benign based on ACMG/AMP sequence variant interpretation guidelines (Richards et al. 2015 PMID: 25741868, with internal and published modifications).

Blueprint Genetics
Classification: Likely benign. Last evaluated: 2022-08-31. Review status: criteria provided, single submitter. Criteria: ACMG Guidelines, 2015. Collection method: clinical testing. Allele origin: germline.

Illumina Laboratory Services, Illumina
Classification: Likely benign for Rhabdoid tumor predisposition syndrome 1. Last evaluated: 2018-01-13. Review status: criteria provided, single submitter. Criteria: ICSL Variant Classification Criteria 13 December 2019. Collection method: clinical testing. Allele origin: germline.
Comment: This variant was observed in the ICSL laboratory as part of a predisposition screen in an ostensibly healthy population. It had not been previously curated by ICSL or reported in the Human Gene Mutation Database (HGMD: prior to June 1st, 2018), and was therefore a candidate for classification through an automated scoring system. Utilizing variant allele frequency, disease prevalence and penetrance estimates, and inheritance mode, an automated score was calculated to assess if this variant is too frequent to cause the disease. Based on the score and internal cut-off values, a variant classified as likely benign is not then subjected to further curation. The score for this variant resulted in a classification of likely benign for this disease.

Illumina Laboratory Services, Illumina
Classification: Likely benign for SMARCB1-related schwannomatosis. Last evaluated: 2018-01-13. Review status: criteria provided, single submitter. Criteria: ICSL Variant Classification Criteria 13 December 2019. Collection method: clinical testing. Allele origin: germline.
Comment: the same text as in the submission from Illumina Laboratory Services, Illumina above.

NM_003073.5(SMARCB1):c.*15C>A

Gene: SMARCB1 (SWI/SNF related BAF chromatin remodeling complex subunit B1; plus strand). Cytogenetic location: 22q11.23.
Variant type: single nucleotide variant.
Coding change: c.*15C>A on transcript NM_003073.5 (MANE Select); 15 bases downstream of the stop codon, C replaced by A.
Molecular consequence: 3 prime UTR variant.
Genome position (GRCh38, 1-based): chr22:23,834,195, C>A. VCF-style: chr22-23834195-C-A. GRCh37 (hg19) VCF-style: chr22-24176382-C-A.
Other names: c.*15C>A (LRG_520t1, NM_001007468.3, NM_001317946.2 and 2 more transcripts).
Identifiers: ClinVar variation 340917 (VCV000340917.7), dbSNP rs369400289, ClinGen allele CA10146136.